The following is an entry in ClinVar:

NM_015272.5(RPGRIP1L):c.2850A>G (p.Ala950=)

Gene: RPGRIP1L (RPGRIP1 like; minus strand). Cytogenetic location: 16q12.2.
Variant type: single nucleotide variant.
Coding change: c.2850A>G on transcript NM_015272.5 (MANE Select); coding-DNA position 2850, A replaced by G.
Protein change: p.Ala950=; no amino-acid change (alanine 950 retained).
Molecular consequence: synonymous variant.
Genome position (GRCh38, 1-based): chr16:53,641,309, T>C on the plus strand (A>G on the coding strand, the complement: RPGRIP1L is on the minus strand). VCF-style: chr16-53641309-T-C. GRCh37 (hg19) VCF-style: chr16-53675221-T-C.
Other names: c.2850A>G, p.Ala950= (NM_001127897.4, NM_001308334.3, NM_001330538.2); c.2850A>G (NM_015272.4).
Identifiers: ClinVar variation 1587465 (VCV001587465.12), dbSNP rs752095514, ClinGen allele CA8057448.

ClinVar aggregate classification (germline): Likely benign. Review status: criteria provided, multiple submitters, no conflicts (2 of 4 stars). 2 submissions from 2 submitters: Likely benign (2). Last evaluated 2026-02-10.

Conditions:
RPGRIP1L-related disorder. Also called: RPGRIP1L-related condition; RPGRIP1L-related disorders. Identifiers: MedGen CN239416.
Joubert syndrome. Also called: Familial aplasia of the vermis; JOUBERT-BOLTSHAUSER SYNDROME. Identifiers: Orphanet 475, MedGen C5979921, MONDO:0018772.
Meckel-Gruber syndrome. Also called: Dysencephalia splachnocystica; DYSENCEPHALIA SPLANCHNOCYSTICA; GRUBER SYNDROME. Identifiers: Orphanet 564, MedGen C0265215, MONDO:0018921.

Allele frequency attached by ClinVar (database versions not stated): TOPMed below 0.00001; gnomAD exomes 0.00001 and 0.00002; ExAC 0.00002.
gnomAD v4.1: 17 of 1,614,068 alleles (0.0011%); highest among the groups gnomAD compares: South Asian, 0.0099%; no homozygotes.

Submissions (2):

PreventionGenetics, part of Exact Sciences
Classification: Likely benign for RPGRIP1L-related condition. Last evaluated: 2026-02-10. Review status: criteria provided, single submitter. Criteria: ACMG Guidelines, 2015. Collection method: clinical testing. Allele origin: germline.
Comment: This variant is classified as likely benign based on ACMG/AMP sequence variant interpretation guidelines (Richards et al. 2015 PMID: 25741868, with internal and published modifications).

Labcorp Genetics (formerly Invitae), Labcorp
Classification: Likely benign for Joubert syndrome; Meckel-Gruber syndrome. Last evaluated: 2024-01-02. Review status: criteria provided, single submitter. Criteria: Invitae Variant Classification Sherloc (09022015). Collection method: clinical testing. Allele origin: germline.